The following is an entry in ClinVar:

ClinVar aggregate classification (germline): Pathogenic/Likely pathogenic. Review status: criteria provided, multiple submitters, no conflicts (2 of 4 stars). 2 submissions from 2 submitters: Pathogenic (1); Likely pathogenic (1). Last evaluated 2025-06-13.

Conditions:
Inborn genetic diseases. Identifiers: MedGen C0950123, MeSH D030342.

Submissions (2):

GeneDx
Classification: Pathogenic. Last evaluated: 2025-06-13. Review status: criteria provided, single submitter. Criteria: GeneDx Variant Classification Process June 2021. Collection method: clinical testing. Allele origin: germline.
Comment: Initiation codon variant in a gene for which loss of function is a known mechanism of disease; Not observed at significant frequency in large population cohorts (gnomAD); Has not been previously published as pathogenic or benign to our knowledge

Ambry Genetics
Classification: Likely pathogenic for Inborn genetic diseases. Last evaluated: 2018-11-13. Review status: criteria provided, single submitter. Criteria: Ambry exome assertion method (8-5-2015). Collection method: clinical testing. Allele origin: germline. Affected: yes. Observed: 1 variant allele.

NM_005499.3(UBA2):c.1A>G (p.Met1Val)

Genes: UBA2 (ubiquitin like modifier activating enzyme 2; plus strand), LOC130064190 (ATAC-STARR-seq lymphoblastoid silent region 10502; plus strand). Cytogenetic location: 19q13.11.
Variant type: single nucleotide variant.
Coding change: c.1A>G on transcript NM_005499.3 (MANE Select); coding-DNA position 1, A replaced by G.
Protein change: p.Met1Val; changes the start codon (methionine 1).
Molecular consequence: missense variant, initiator codon variant.
Genome position (GRCh38, 1-based): chr19:34,428,433, A>G. VCF-style: chr19-34428433-A-G. GRCh37 (hg19) VCF-style: chr19-34919338-A-G.
Other names: short protein forms M1V.
Identifiers: ClinVar variation 985243 (VCV000985243.6), dbSNP rs2075210211, ClinGen allele CA405253486.